The following is an entry in ClinVar:

ClinVar aggregate classification (germline): Pathogenic (1 of 4 stars; one submission).

Conditions:
Inborn genetic diseases. Identifiers: MedGen C0950123, MeSH D030342.

Submission:

Ambry Genetics
Classification: Pathogenic for Inborn genetic diseases. Last evaluated: 2024-03-26. Review status: criteria provided, single submitter. Criteria: Ambry Variant Classification Scheme 2023. Collection method: clinical testing. Allele origin: germline.
Comment: The c.1630delG (p.V544Wfs*15) alteration, located in exon 12 (coding exon 12) of the KCNQ4 gene, consists of a deletion of one nucleotide at position 1630, causing a translational frameshift with a predicted alternate stop codon after 15 amino acids. This alteration is expected to result in loss of function by premature protein truncation or nonsense-mediated mRNA decay. This variant was not reported in population-based cohorts in the Genome Aggregation Database (gnomAD). Based on the available evidence, this alteration is classified as pathogenic.

NM_004700.4(KCNQ4):c.1630del (p.Val544fs)

Gene: KCNQ4 (potassium voltage-gated channel subfamily Q member 4; plus strand). Cytogenetic location: 1p34.2.
Variant type: Deletion.
Coding change: c.1630del on transcript NM_004700.4 (MANE Select); coding-DNA position 1630, one base deleted (G; older notation c.1630delG).
Protein change: p.Val544fs; shifts the reading frame from valine 544.
Molecular consequence: frameshift variant.
Genome position (GRCh38, 1-based): chr1:40,834,983, G deleted; the last of 2 consecutive G bases (chr1:40,834,982-40,834,983); deleting either gives the same sequence. VCF-style (leftmost placement, unchanged base first): chr1-40834981-TG-T. GRCh37 (hg19) VCF-style: chr1-41300653-TG-T.
Other names: c.1468del, p.Val490fs (NM_172163.3); short protein forms V544fs, V490fs.
Identifiers: ClinVar variation 3287740 (VCV003287740.1).